The following is an entry in ClinVar:

NM_005198.5(CHKB):c.227G>A (p.Gly76Glu)

Genes: CHKB (choline kinase beta; minus strand), CHKB-CPT1B (CHKB-CPT1B readthrough (NMD candidate); minus strand), LOC130067882 (ATAC-STARR-seq lymphoblastoid silent region 14000; plus strand). Cytogenetic location: 22q13.33.
Variant type: single nucleotide variant.
Coding change: c.227G>A on transcript NM_005198.5 (MANE Select); coding-DNA position 227, G replaced by A.
Protein change: p.Gly76Glu; replaces glycine 76 with glutamic acid.
Molecular consequence: missense variant. On other transcripts: non-coding transcript variant (1).
Genome position (GRCh38, 1-based): chr22:50,582,355, C>T on the plus strand (G>A on the coding strand, the complement: CHKB is on the minus strand). VCF-style: chr22-50582355-C-T. GRCh37 (hg19) VCF-style: chr22-51020784-C-T.
Other names: short protein forms G76E.
Identifiers: ClinVar variation 2008661 (VCV002008661.4), dbSNP rs2522789848, ClinGen allele CA412202748.

ClinVar aggregate classification (germline): Uncertain significance (1 of 4 stars; one submission).

Conditions:
Megaconial type congenital muscular dystrophy (MDCMC). Also called: CHKB-Related Muscle Diseases; MUSCULAR DYSTROPHY, CONGENITAL, WITH MITOCHONDRIAL STRUCTURAL ABNORMALITIES; CHKB-Related Muscular Dystrophy. Identifiers: Orphanet 280671, MedGen C1865233, MONDO:0011246, OMIM 602541.

Submission:

Labcorp Genetics (formerly Invitae), Labcorp
Classification: Uncertain significance for Megaconial type congenital muscular dystrophy. Last evaluated: 2022-09-16. Review status: criteria provided, single submitter. Criteria: Invitae Variant Classification Sherloc (09022015). Collection method: clinical testing. Allele origin: germline.
Comment: This variant is not present in population databases (gnomAD no frequency). In summary, the available evidence is currently insufficient to determine the role of this variant in disease. Therefore, it has been classified as a Variant of Uncertain Significance. Algorithms developed to predict the effect of missense changes on protein structure and function are either unavailable or do not agree on the potential impact of this missense change (SIFT: "Deleterious"; PolyPhen-2: "Probably Damaging"; Align-GVGD: "Class C0"). This variant has not been reported in the literature in individuals affected with CHKB-related conditions. This sequence change replaces glycine, which is neutral and non-polar, with glutamic acid, which is acidic and polar, at codon 76 of the CHKB protein (p.Gly76Glu).